The following is an entry in ClinVar:

NM_001042492.3(NF1):c.7201C>G (p.Pro2401Ala)

Gene: NF1 (neurofibromin 1; plus strand). Cytogenetic location: 17q11.2.
Variant type: single nucleotide variant.
Coding change: c.7201C>G on transcript NM_001042492.3 (MANE Select); coding-DNA position 7201, C replaced by G.
Protein change: p.Pro2401Ala; replaces proline 2401 with alanine.
Molecular consequence: missense variant.
Genome position (GRCh38, 1-based): chr17:31,349,131, C>G. VCF-style: chr17-31349131-C-G. GRCh37 (hg19) VCF-style: chr17-29676149-C-G.
Other names: c.7138C>G, p.Pro2380Ala (NM_000267.4); short protein forms P2380A, P2401A.
Identifiers: ClinVar variation 4119150 (VCV004119150.1).
Genomic context (GRCh38, chr17:31,349,131, plus strand): 5'-AAAAATTAATTCTTACTTGTTTGTTTGTTTGTTTGTTTGTTTTTTGTAGGGTACAGGCAT[C>G]CTTCACCTGCTATTGTTGCAAGAACAGTCAGAATTTTACATACACTACTAACTCTGGTTA-3'
Protein context (NP_001035957.1, residues 2391-2411): VGHLLKGYRH[Pro2401Ala]SPAIVARTVR

ClinVar aggregate classification (germline): Uncertain significance (1 of 4 stars; one submission).

Conditions:
Cardiovascular phenotype. Identifiers: MedGen CN230736.
Hereditary cancer-predisposing syndrome. Also called: Hereditary neoplastic syndrome; Neoplastic Syndromes, Hereditary; Tumor predisposition; Hereditary Cancer Syndrome. Identifiers: Orphanet 140162, MedGen C0027672, MeSH D009386, MONDO:0015356.

Submission:

Ambry Genetics
Classification: Uncertain significance for Cardiovascular phenotype; Hereditary cancer-predisposing syndrome. Last evaluated: 2025-08-19. Review status: criteria provided, single submitter. Criteria: Ambry Variant Classification Scheme 2023. Collection method: clinical testing. Allele origin: germline.
Comment: The p.P2380A variant (also known as c.7138C>G), located in coding exon 48 of the NF1 gene, results from a C to G substitution at nucleotide position 7138. The proline at codon 2380 is replaced by alanine, an amino acid with highly similar properties. This amino acid position is conserved. In addition, the in silico prediction for this alteration is inconclusive. Based on the available evidence, the clinical significance of this variant remains unclear.